The following is an entry in ClinVar:

ClinVar aggregate classification (germline): Benign. Review status: criteria provided, multiple submitters, no conflicts (2 of 4 stars). 4 submissions from 3 submitters: Benign (3). 1 of the submissions does not count toward it. Last evaluated 2021-05-14.

Conditions:
Rhizomelic chondrodysplasia punctata (RCDP). Identifiers: Orphanet 177, MedGen C0282529, MONDO:0015776. Disease mechanism: loss of function.
Peroxisome biogenesis disorder 9B. Also called: Refsum disease, adult, 2; PEX7-Related Refsum Disease; PEROXISOME BIOGENESIS DISORDER, PEX7-RELATED, ATYPICAL. Identifiers: Orphanet 773, MedGen C2749346, MONDO:0013945, OMIM 614879.
Rhizomelic chondrodysplasia punctata type 1 (RCDP1). Also called: CHONDRODYSTROPHIA CALCIFICANS PUNCTATA; PEX7-Related Rhizomelic Chondrodysplasia Punctata; PEROXISOME BIOGENESIS DISORDER 9. Identifiers: Orphanet 177, Orphanet 309789, MedGen C1859133, MONDO:0008972, OMIM 215100. Disease mechanism: loss of function.

Allele frequency attached by ClinVar (database versions not stated): gnomAD 0.51106; TOPMed 0.51163; 1000 Genomes Project 30x 0.51671; 1000 Genomes Project 0.52057.
gnomAD v4.1: 168,815 of 311,414 alleles (54%); highest among the groups gnomAD compares: South Asian, 61%; 45,781 homozygotes.

Submissions (4):

GeneDx
Classification: Benign. Last evaluated: 2021-05-14. Review status: criteria provided, single submitter. Criteria: GeneDx Variant Classification Process June 2021. Collection method: clinical testing. Allele origin: germline. Affected: yes.

Illumina Laboratory Services, Illumina
Classification: Benign for Peroxisome biogenesis disorder 9B. Last evaluated: 2018-01-13. Review status: criteria provided, single submitter. Criteria: ICSL Variant Classification Criteria 13 December 2019. Collection method: clinical testing. Allele origin: germline.
Comment: This variant was observed in the ICSL laboratory as part of a predisposition screen in an ostensibly healthy population. It had not been previously curated by ICSL or reported in the Human Gene Mutation Database (HGMD: prior to June 1st, 2018), and was therefore a candidate for classification through an automated scoring system. Utilizing variant allele frequency, disease prevalence and penetrance estimates, and inheritance mode, an automated score was calculated to assess if this variant is too frequent to cause the disease. Based on the score and internal cut-off values, a variant classified as benign is not then subjected to further curation. The score for this variant resulted in a classification of benign for this disease.

Illumina Laboratory Services, Illumina
Classification: Benign for Rhizomelic chondrodysplasia punctata type 1. Last evaluated: 2018-01-13. Review status: criteria provided, single submitter. Criteria: ICSL Variant Classification Criteria 13 December 2019. Collection method: clinical testing. Allele origin: germline.
Comment: the same text as in the submission from Illumina Laboratory Services, Illumina above.

Natera, Inc.
Classification: Benign for Rhizomelic Chondrodysplasia Punctata. Last evaluated: 2018-04-13. Review status: no assertion criteria provided. Collection method: clinical testing. Allele origin: germline. Not counted in ClinVar's aggregate classification.

NM_000288.4(PEX7):c.*306T>G

Gene: PEX7 (peroxisomal biogenesis factor 7; plus strand). Cytogenetic location: 6q23.3.
Variant type: single nucleotide variant.
Coding change: c.*306T>G on transcript NM_000288.4 (MANE Select); 306 bases downstream of the stop codon, T replaced by G.
Molecular consequence: 3 prime UTR variant.
Genome position (GRCh38, 1-based): chr6:136,913,832, T>G. VCF-style: chr6-136913832-T-G. GRCh37 (hg19) VCF-style: chr6-137234970-T-G.
Identifiers: ClinVar variation 355544 (VCV000355544.7), dbSNP rs1050803, ClinGen allele CA10623055.